The following is an entry in ClinVar:

ClinVar aggregate classification (germline): Uncertain significance (1 of 4 stars; one submission).

Submission:

Ambry Genetics
Classification: Uncertain significance. Last evaluated: 2025-06-28. Review status: criteria provided, single submitter. Criteria: Ambry Variant Classification Scheme 2023. Collection method: clinical testing. Allele origin: germline.
Comment: The p.L213R variant (also known as c.638T>G), located in coding exon 3 of the GALNT12 gene, results from a T to G substitution at nucleotide position 638. The leucine at codon 213 is replaced by arginine, an amino acid with dissimilar properties. This amino acid position is conserved. In addition, this alteration is predicted to be deleterious by in silico analysis. Since supporting evidence is limited at this time, the clinical significance of this alteration remains unclear.

NM_024642.5(GALNT12):c.638T>G (p.Leu213Arg)

Gene: GALNT12 (polypeptide N-acetylgalactosaminyltransferase 12; plus strand). Cytogenetic location: 9q22.33.
Variant type: single nucleotide variant.
Coding change: c.638T>G on transcript NM_024642.5 (MANE Select); coding-DNA position 638, T replaced by G.
Protein change: p.Leu213Arg; replaces leucine 213 with arginine.
Molecular consequence: missense variant.
Genome position (GRCh38, 1-based): chr9:98,826,848, T>G. VCF-style: chr9-98826848-T-G. GRCh37 (hg19) VCF-style: chr9-101589130-T-G.
Other names: short protein forms L213R.
Identifiers: ClinVar variation 2566254 (VCV002566254.3), dbSNP rs2490501967, ClinGen allele CA374217566.